The following is an entry in ClinVar:

ClinVar aggregate classification (germline): Likely benign (1 of 4 stars; one submission).

gnomAD v4.1: 113 of 1,614,028 alleles (0.007%); highest among the groups gnomAD compares: South Asian, 0.1%; 2 homozygotes.

Submission:

CeGaT Center for Human Genetics Tuebingen
Classification: Likely benign. Last evaluated: 2025-01-01. Review status: criteria provided, single submitter. Criteria: CeGaT Center For Human Genetics Tuebingen Variant Classification Criteria Version 2. Collection method: clinical testing. Allele origin: germline. Affected: yes. Observed: 1 variant allele.
Comment: CENPF: BP4, BS2

NM_016343.4(CENPF):c.2111A>G (p.Gln704Arg)

Gene: CENPF (centromere protein F; plus strand). Cytogenetic location: 1q41.
Variant type: single nucleotide variant.
Coding change: c.2111A>G on transcript NM_016343.4 (MANE Select); coding-DNA position 2111, A replaced by G.
Protein change: p.Gln704Arg; replaces glutamine 704 with arginine.
Molecular consequence: missense variant.
Genome position (GRCh38, 1-based): chr1:214,640,449, A>G. VCF-style: chr1-214640449-A-G. GRCh37 (hg19) VCF-style: chr1-214813792-A-G.
Other names: short protein forms Q704R.
Identifiers: ClinVar variation 3771027 (VCV003771027.13).